The following is an entry in ClinVar:

ClinVar aggregate classification (germline): Pathogenic/Likely pathogenic. Review status: criteria provided, multiple submitters, no conflicts (2 of 4 stars). 13 submissions from 13 submitters: Pathogenic (5); Likely pathogenic (4). 4 of the submissions do not count toward it. Last evaluated 2026-08-31.

Conditions:
TBCE-related disorder. Also called: TBCE-related disorders; TBCE-related condition.
Hypoparathyroidism-retardation-dysmorphism syndrome (HRDS). Also called: SANJAD-SAKATI SYNDROME. Identifiers: Orphanet 2323, MedGen C1855840, MONDO:0009426, OMIM 241410.
Encephalopathy, progressive, with amyotrophy and optic atrophy (PEAMO). Identifiers: MedGen C4310667, MONDO:0014968, OMIM 617207.
Autosomal recessive Kenny-Caffey syndrome (KCS1). Identifiers: Orphanet 2333, Orphanet 93324, MedGen C1855648, MONDO:0009486, OMIM 244460.
MYOPATHY WITH RIGID SPINE, SCOLIOSIS, AND MALE-LIMITED HYPERGONADOTROPIC HYPOGONADISM (MRSG). Identifiers: MedGen CN382445, OMIM 621734.
Disorder of sexual differentiation. Also called: Difference of sexual differentiation; Disorder of sex development. Identifiers: Orphanet 90771, MedGen C2930619, MONDO:0002145.

Allele frequency attached by ClinVar (database versions not stated): ESP Exome Variant Server 0.00008; gnomAD exomes 0.00008 and 0.00007; gnomAD 0.00009; ExAC 0.00010; TOPMed 0.00006.
gnomAD v4.1: 109 of 1,590,918 alleles (0.0069%); highest among the groups gnomAD compares: Non-Finnish European, 0.0089%; no homozygotes.

Submissions (14):

Institute of Human Genetics, University of Leipzig Medical Center
Classification: Pathogenic for Autosomal recessive Kenny-Caffey syndrome. Last evaluated: 2026-08-31. Review status: criteria provided, single submitter. Criteria: ACMG Guidelines, 2015. Collection method: clinical testing. Allele origin: unknown. Inheritance: Autosomal recessive inheritance. Affected: yes.
Comment: Criteria applied: PVS1,PM2,PM3

Labcorp Genetics (formerly Invitae), Labcorp
Classification: Likely pathogenic. Last evaluated: 2026-01-22. Review status: criteria provided, single submitter. Criteria: Invitae Variant Classification Sherloc (09022015). Collection method: clinical testing. Allele origin: germline.
Comment: This sequence change affects a donor splice site in intron 2 of the TBCE gene. It is expected to disrupt RNA splicing. Variants that disrupt the donor or acceptor splice site typically lead to a loss of protein function (PMID: 16199547), and loss-of-function variants in TBCE are known to be pathogenic (PMID: 27666369, 34134906, 34356170). This variant is present in population databases (rs200356271, gnomAD 0.02%). Disruption of this splice site has been observed in individual(s) with clinical features of TBCE-related conditions (PMID: 35432193, 38250573, 39153170). ClinVar contains an entry for this variant (Variation ID: 631595). Algorithms developed to predict the effect of sequence changes on RNA splicing suggest that this variant may disrupt the consensus splice site. In summary, the currently available evidence indicates that the variant is pathogenic, but additional data are needed to prove that conclusively. Therefore, this variant has been classified as Likely Pathogenic.

GeneDx
Classification: Pathogenic. Last evaluated: 2025-04-23. Review status: criteria provided, single submitter. Criteria: GeneDx Variant Classification Process June 2021. Collection method: clinical testing. Allele origin: germline.
Comment: RNA studies demonstrate skipping of exon 3 and activation of a cryptic donor splice site in exon 2, leading to a deletion of 119 nucleotides, predicted to lead to a frameshift and the formation of a premature termination codon (PMID: 39657131); This variant is associated with the following publications: (PMID: 35432193, 38250573, 39657131, 39153170)

Blueprint Genetics
Classification: Pathogenic for TBCE-related disorders. Last evaluated: 2024-08-02. Review status: criteria provided, single submitter. Criteria: ACMG Guidelines, 2015. Collection method: clinical testing. Allele origin: germline. Affected: yes. Observed: 5 variant alleles.

3billion
Classification: Pathogenic for Hypoparathyroidism-retardation-dysmorphism syndrome. Last evaluated: 2024-06-26. Review status: criteria provided, single submitter. Criteria: ACMG Guidelines, 2015. Collection method: clinical testing. Allele origin: germline. Affected: yes.
Comment: The variant is observed at an extremely low frequency in the gnomAD v4.0.0 dataset (total allele frequency: 0.007%). Predicted Consequence/Location: Canonical splice site: predicted to alter splicing and result in a loss or disruption of normal protein function. Multiple pathogenic loss-of-function variants are reported downstream of the variant. In silico tools predict the variant to alter splicing and produce an abnormal transcript [SpliceAI: 1.00 (spliceogenicity >=0.2, non-spliceogenicity <0.1)]. The variant has been reported at least twice as pathogenic with clinical assertions and evidence for the classification (ClinVar ID: VCV000631595 /3billion dataset). Therefore, this variant is classified as Pathogenic according to the recommendation of ACMG/AMP guideline.

Fulgent Genetics
Classification: Likely pathogenic for Hypoparathyroidism-retardation-dysmorphism syndrome; Autosomal recessive Kenny-Caffey syndrome; Encephalopathy, progressive, with amyotrophy and optic atrophy. Last evaluated: 2024-04-04. Review status: criteria provided, single submitter. Criteria: ACMG Guidelines, 2015. Collection method: clinical testing. Allele origin: germline.

CeGaT Center for Human Genetics Tuebingen
Classification: Pathogenic. Last evaluated: 2023-04-01. Review status: criteria provided, single submitter. Criteria: CeGaT Center For Human Genetics Tuebingen Variant Classification Criteria Version 2. Collection method: clinical testing. Allele origin: germline. Affected: yes. Observed: 1 variant allele.
Comment: TBCE: PVS1, PM2

Women's Health and Genetics/Laboratory Corporation of America, LabCorp
Classification: Likely pathogenic for TBCE-Related Disorders. Last evaluated: 2022-08-29. Review status: criteria provided, single submitter. Criteria: LabCorp Variant Classification Summary - May 2015. Collection method: clinical testing. Allele origin: germline.
Comment: Variant summary: TBCE c.100+1G>A is located in a canonical splice-site and is predicted to affect mRNA splicing resulting in a significantly altered protein due to either exon skipping, shortening, or inclusion of intronic material. Several computational tools predict a significant impact on normal splicing: four predict the variant abolishes a 5' splicing donor site, while three predict the variant creates a 3' acceptor site. However, these predictions have yet to be confirmed by functional studies. The variant allele was found at a frequency of 8e-05 in 249900 control chromosomes (gnomAD). This frequency allows no conclusions about variant significance. The variant, c.100+1G>A, has been reported in the literature in a homozygous individual affected with TBCE-Related Disorder (Globa_2022). These data indicate that the variant may be associated with disease. To our knowledge, no experimental evidence demonstrating an impact on protein function has been reported. Four clinical diagnostic laboratories have submitted clinical-significance assessments for this variant to ClinVar after 2014, and reported the variant with conflicting assessments (VUS (n=2), likely pathogenic (n=2)). Based on the evidence outlined above, the variant was classified as likely pathogenic.

Centre for Mendelian Genomics, University Medical Centre Ljubljana
Classification: Likely pathogenic for Autosomal recessive Kenny-Caffey syndrome. Last evaluated: 2020-01-15. Review status: criteria provided, single submitter. Criteria: ACMG Guidelines, 2015. Collection method: clinical testing. Allele origin: unknown. Affected: yes.
Comment: This variant was classified as: Likely pathogenic. The following ACMG criteria were applied in classifying this variant: PVS1,PM2.

OMIM
Classification: Pathogenic for MYOPATHY WITH RIGID SPINE, SCOLIOSIS, AND MALE-LIMITED HYPERGONADOTROPIC HYPOGONADISM. Last evaluated: 2026-11-02. Review status: no assertion criteria provided. Collection method: literature only. Allele origin: germline. Not counted in ClinVar's aggregate classification.

PreventionGenetics, part of Exact Sciences
Classification: Likely pathogenic for TBCE-related condition. Last evaluated: 2024-04-23. Review status: no assertion criteria provided. Collection method: clinical testing. Allele origin: germline. Not counted in ClinVar's aggregate classification.
Comment: The TBCE c.100+1G>A variant is predicted to disrupt the GT donor site and interfere with normal splicing. This variant was previously described in the homozygous state in an individual with inguinal bilateral cryptorchidism, cognitive impairment, dysmorphic features, recurrent infections, and dwarfism (Globa et al. 2022. PubMed ID: 35432193). This variant is reported in 0.016% of alleles in individuals of European (Non-Finnish) descent in gnomAD. Variants that disrupt the consensus splice donor site in TBCE are expected to be pathogenic. This variant is interpreted as likely pathogenic.

Human Developmental Genetics, Institut Pasteur
Classification: Likely pathogenic for Disorder of sexual differentiation. Last evaluated: 2021-08-17. Review status: no assertion criteria provided. Collection method: research. Allele origin: unknown. Inheritance: Autosomal dominant inheritance. Affected: yes. Not counted in ClinVar's aggregate classification.

Department of Developmental Neurology, Medical University of Gdansk
No classification provided. Condition: Autosomal recessive Kenny-Caffey syndrome. Review status: no classification provided. Collection method: phenotyping only. Allele origin: unknown. Inheritance: Autosomal recessive inheritance. Affected: yes. Not counted in ClinVar's aggregate classification.

Dr. Peter K. Rogan Lab, Western University
No classification provided (evidence only). Condition: Nonpapillary renal cell carcinoma. Review status: no classification provided. Collection method: in vitro. Allele origin: not applicable. Functional consequence: retained intron. Not counted in ClinVar's aggregate classification.

Literature cited by the submitters: PubMed 16199547 (cited by Labcorp Genetics (formerly Invitae), Labcorp); PubMed 27666369 (cited by Labcorp Genetics (formerly Invitae), Labcorp); PubMed 34134906 (cited by Labcorp Genetics (formerly Invitae), Labcorp); PubMed 34356170 (cited by Labcorp Genetics (formerly Invitae), Labcorp); PubMed 35432193 (cited by Labcorp Genetics (formerly Invitae), Labcorp and Women's Health and Genetics/Laboratory Corporation of America, LabCorp); PubMed 38250573 (cited by Labcorp Genetics (formerly Invitae), Labcorp); PubMed 39153170 (cited by Labcorp Genetics (formerly Invitae), Labcorp and OMIM); PubMed 33652732 (cited by Women's Health and Genetics/Laboratory Corporation of America, LabCorp); PubMed 39657131 (cited by OMIM).

NM_003193.5(TBCE):c.100+1G>A

Gene: TBCE (tubulin folding cofactor E; plus strand). Cytogenetic location: 1q42.3.
Variant type: single nucleotide variant.
Coding change: c.100+1G>A on transcript NM_003193.5 (MANE Select); the canonical splice donor site of the intron after coding-DNA position 100, G replaced by A.
Molecular consequence: splice donor variant.
Genome position (GRCh38, 1-based): chr1:235,380,150, G>A. VCF-style: chr1-235380150-G-A. GRCh37 (hg19) VCF-style: chr1-235543465-G-A.
Other names: IVS2, G-A, +1; c.100+1G>A (NM_001079515.3, NM_001287801.2, NM_003193.4); c.-211+1G>A (NM_001287802.2).
Identifiers: ClinVar variation 631595 (VCV000631595.47), dbSNP rs200356271, ClinGen allele CA1463887.